The following is an entry in ClinVar:

ClinVar aggregate classification (germline): Benign (1 of 4 stars; one submission).

Allele frequency attached by ClinVar (database versions not stated): gnomAD 0.03406 and 0.03664; TOPMed 0.03727; 1000 Genomes Project 0.03794; 1000 Genomes Project 30x 0.03857.

Submission:

GeneDx
Classification: Benign. Last evaluated: 2018-06-14. Review status: criteria provided, single submitter. Criteria: GeneDx Variant Classification (06012015). Collection method: clinical testing. Allele origin: germline. Affected: yes.
Comment: This variant is considered likely benign or benign based on one or more of the following criteria: it is a conservative change, it occurs at a poorly conserved position in the protein, it is predicted to be benign by multiple in silico algorithms, and/or has population frequency not consistent with disease.

NM_000257.4(MYH7):c.3245+124T>C

Gene: MYH7 (myosin heavy chain 7; minus strand). Cytogenetic location: 14q11.2.
Variant type: single nucleotide variant.
Coding change: c.3245+124T>C on transcript NM_000257.4 (MANE Select); 124 bases into the intron after coding-DNA position 3245, T replaced by C.
Molecular consequence: intron variant.
Genome position (GRCh38, 1-based): chr14:23,422,056, A>G on the plus strand (T>C on the coding strand, the complement: MYH7 is on the minus strand). VCF-style: chr14-23422056-A-G. GRCh37 (hg19) VCF-style: chr14-23891265-A-G.
Identifiers: ClinVar variation 675339 (VCV000675339.1), dbSNP rs17092021, ClinGen allele CA257817774.